The following is an entry in ClinVar:

ClinVar aggregate classification (germline): Pathogenic (1 of 4 stars; one submission).

Conditions:
Neuronal ceroid lipofuscinosis. Also called: Neuronal Ceroid Lipofuscinoses. Identifiers: Orphanet 216, Orphanet 79263, MedGen C0027877, MONDO:0016295. Disease mechanism: loss of function.

Submission:

Labcorp Genetics (formerly Invitae), Labcorp
Classification: Pathogenic for Neuronal ceroid lipofuscinosis. Last evaluated: 2022-02-09. Review status: criteria provided, single submitter. Criteria: Invitae Variant Classification Sherloc (09022015). Collection method: clinical testing. Allele origin: germline.
Comment: This sequence change creates a premature translational stop signal (p.Met66Asnfs*66) in the CLN6 gene. It is expected to result in an absent or disrupted protein product. Loss-of-function variants in CLN6 are known to be pathogenic (PMID: 19135028). This variant is not present in population databases (gnomAD no frequency). This variant has not been reported in the literature in individuals affected with CLN6-related conditions. ClinVar contains an entry for this variant (Variation ID: 1075854). For these reasons, this variant has been classified as Pathogenic.

Literature cited by the submitters: PubMed 19135028.

NM_017882.3(CLN6):c.196dup (p.Met66fs)

Gene: CLN6 (CLN6 transmembrane ER protein; minus strand). Cytogenetic location: 15q23.
Variant type: Duplication.
Coding change: c.196dup on transcript NM_017882.3 (MANE Select); coding-DNA position 196, one base duplicated (A; older notation c.196dupA).
Protein change: p.Met66fs; shifts the reading frame from methionine 66.
Molecular consequence: frameshift variant.
Genome position (GRCh38, 1-based): chr15:68,218,538, T duplicated on the plus strand (A on the coding strand, the reverse complement: CLN6 is on the minus strand). VCF-style (leftmost placement, unchanged base first): chr15-68218537-A-AT. GRCh37 (hg19) VCF-style: chr15-68510875-A-AT.
Other names: short protein forms M66fs.
Identifiers: ClinVar variation 1075854 (VCV001075854.7), dbSNP rs2141145023, ClinGen allele CA2499223066.